The following is an entry in ClinVar:

ClinVar aggregate classification (germline): Uncertain significance (1 of 4 stars; one submission).

Conditions:
Epidermolysis bullosa simplex, Ogna type (EBS5A). Also called: Pidermolysis bullosa simplex 5A, Ogna type; EPIDERMOLYSIS BULLOSA SIMPLEX 5A, OGNA TYPE. Identifiers: Orphanet 79401, MedGen C0432317, MONDO:0007555, OMIM 131950.
Autosomal recessive limb-girdle muscular dystrophy type 2Q (LGMDR17). Also called: MUSCULAR DYSTROPHY, LIMB-GIRDLE, AUTOSOMAL RECESSIVE 17. Identifiers: Orphanet 254361, MedGen C3150989, MONDO:0013390, OMIM 613723.
Epidermolysis bullosa simplex with nail dystrophy (EBS5D). Identifiers: MedGen C4225309, MONDO:0014661, OMIM 616487.
Epidermolysis bullosa simplex 5B, with muscular dystrophy (EBS5B). Also called: Epidermolysis bullosa simplex with muscular dystrophy; EPIDERMOLYSIS BULLOSA SIMPLEX AND LIMB-GIRDLE MUSCULAR DYSTROPHY. Identifiers: Orphanet 257, MedGen C2931072, MONDO:0009181, OMIM 226670.
Epidermolysis bullosa simplex 5C, with pyloric atresia (EBS5C). Also called: PLEC-Related Epidermolysis Bullosa with Pyloric Atresia; PLEC1-Related Epidermolysis Bullosa with Pyloric Atresia; Epidermolysis bullosa simplex with pyloric atresia. Identifiers: Orphanet 158684, MedGen C2677349, MONDO:0012807, OMIM 612138.

Allele frequency attached by ClinVar (database versions not stated): gnomAD 0.00001; TOPMed 0.00002; ExAC 0.00006.
gnomAD v4.1: 15 of 1,541,546 alleles (0.00097%); highest among the groups gnomAD compares: South Asian, 0.0047%; no homozygotes.

Submission:

Labcorp Genetics (formerly Invitae), Labcorp
Classification: Uncertain significance for Autosomal recessive limb-girdle muscular dystrophy type 2Q; Epidermolysis bullosa simplex, Ogna type; Epidermolysis bullosa simplex with nail dystrophy; Epidermolysis bullosa simplex 5C, with pyloric atresia; Epidermolysis bullosa simplex 5B, with muscular dystrophy. Last evaluated: 2025-11-03. Review status: criteria provided, single submitter. Criteria: Invitae Variant Classification Sherloc (09022015). Collection method: clinical testing. Allele origin: germline.
Comment: This sequence change replaces arginine, which is basic and polar, with tryptophan, which is neutral and slightly polar, at codon 1822 of the PLEC protein (p.Arg1822Trp). The frequency data for this variant in the population databases is considered unreliable, as metrics indicate poor data quality at this position in the gnomAD database. This variant has not been reported in the literature in individuals affected with PLEC-related conditions. ClinVar contains an entry for this variant (Variation ID: 661579). Invitae Evidence Modeling of protein sequence and biophysical properties (such as structural, functional, and spatial information, amino acid conservation, physicochemical variation, residue mobility, and thermodynamic stability) indicates that this missense variant is not expected to disrupt PLEC protein function with a negative predictive value of 80%. In summary, the available evidence is currently insufficient to determine the role of this variant in disease. Therefore, it has been classified as a Variant of Uncertain Significance.

NM_201384.3(PLEC):c.5383C>T (p.Arg1795Trp)

Gene: PLEC (plectin; minus strand). Cytogenetic location: 8q24.3.
Variant type: single nucleotide variant.
Coding change: c.5383C>T on transcript NM_201384.3 (MANE Select); coding-DNA position 5383, C replaced by T.
Protein change: p.Arg1795Trp; replaces arginine 1795 with tryptophan.
Molecular consequence: missense variant.
Genome position (GRCh38, 1-based): chr8:143,924,546, G>A on the plus strand (C>T on the coding strand, the complement: PLEC is on the minus strand). VCF-style: chr8-143924546-G-A. GRCh37 (hg19) VCF-style: chr8-144998714-G-A.
Other names: c.5464C>T, p.Arg1822Trp (NM_000445.5); c.5341C>T, p.Arg1781Trp (NM_201378.4); c.5317C>T, p.Arg1773Trp (NM_201379.3); c.5794C>T, p.Arg1932Trp (NM_201380.4); c.5287C>T, p.Arg1763Trp (NM_201381.3); c.5383C>T, p.Arg1795Trp (NM_201382.4); c.5395C>T, p.Arg1799Trp (NM_201383.3); short protein forms R1795W, R1773W, R1763W, R1781W, R1822W, R1932W, R1799W.
Identifiers: ClinVar variation 661579 (VCV000661579.6), dbSNP rs782002901, ClinGen allele CA4926378.